The following is an entry in ClinVar:

NM_020822.3(KCNT1):c.3433G>A (p.Glu1145Lys)

Gene: KCNT1 (potassium sodium-activated channel subfamily T member 1; plus strand). Cytogenetic location: 9q34.3.
Variant type: single nucleotide variant.
Coding change: c.3433G>A on transcript NM_020822.3 (MANE Select); coding-DNA position 3433, G replaced by A.
Protein change: p.Glu1145Lys; replaces glutamic acid 1145 with lysine.
Molecular consequence: missense variant.
Genome position (GRCh38, 1-based): chr9:135,786,452, G>A. VCF-style: chr9-135786452-G-A. GRCh37 (hg19) VCF-style: chr9-138678298-G-A.
Other names: c.3298G>A, p.Glu1100Lys (NM_001272003.2); short protein forms E1100K, E1145K.
Identifiers: ClinVar variation 2953880 (VCV002953880.3), dbSNP rs1232310349, ClinGen allele CA375492176.

ClinVar aggregate classification (germline): Uncertain significance (1 of 4 stars; one submission).

Conditions:
Autosomal dominant nocturnal frontal lobe epilepsy 5. Also called: Epilepsy, nocturnal frontal lobe, 5; KCNT1-Related Epilepsy; CILIARY DYSKINESIA, PRIMARY, 28, WITHOUT SITUS INVERSUS; CILIARY DYSKINESIA, PRIMARY, 28, WITH SITUS INVERSUS. Identifiers: Orphanet 98784, MedGen C3554306, MONDO:0014002, OMIM 615005.
Developmental and epileptic encephalopathy, 14 (DEE14). Also called: Early infantile epileptic encephalopathy 14. Identifiers: Orphanet 293181, MedGen C3554195, MONDO:0013989, OMIM 614959.

Allele frequency attached by ClinVar (database versions not stated): TOPMed 0.00001.

Submission:

Labcorp Genetics (formerly Invitae), Labcorp
Classification: Uncertain significance for Autosomal dominant nocturnal frontal lobe epilepsy 5; Developmental and epileptic encephalopathy, 14. Last evaluated: 2024-08-13. Review status: criteria provided, single submitter. Criteria: Invitae Variant Classification Sherloc (09022015). Collection method: clinical testing. Allele origin: germline.
Comment: This sequence change replaces glutamic acid, which is acidic and polar, with lysine, which is basic and polar, at codon 1145 of the KCNT1 protein (p.Glu1145Lys). This variant is not present in population databases (gnomAD no frequency). This variant has not been reported in the literature in individuals affected with KCNT1-related conditions. Advanced modeling of protein sequence and biophysical properties (such as structural, functional, and spatial information, amino acid conservation, physicochemical variation, residue mobility, and thermodynamic stability) has been performed at Invitae for this missense variant, however the output from this modeling did not meet the statistical confidence thresholds required to predict the impact of this variant on KCNT1 protein function. In summary, the available evidence is currently insufficient to determine the role of this variant in disease. Therefore, it has been classified as a Variant of Uncertain Significance.